The following is an entry in ClinVar:

NM_000089.4(COL1A2):c.2526C>T (p.Phe842=)

Gene: COL1A2 (collagen type I alpha 2 chain; plus strand). Cytogenetic location: 7q21.3.
Variant type: single nucleotide variant.
Coding change: c.2526C>T on transcript NM_000089.4 (MANE Select); coding-DNA position 2526, C replaced by T.
Protein change: p.Phe842=; no amino-acid change (phenylalanine 842 retained).
Molecular consequence: synonymous variant.
Genome position (GRCh38, 1-based): chr7:94,423,079, C>T. VCF-style: chr7-94423079-C-T. GRCh37 (hg19) VCF-style: chr7-94052391-C-T.
Other names: p.Phe842=.
Identifiers: ClinVar variation 911922 (VCV000911922.21), dbSNP rs41317725, ClinGen allele CA4347469.

ClinVar aggregate classification (germline): Benign/Likely benign. Review status: criteria provided, multiple submitters, no conflicts (2 of 4 stars). 8 submissions from 7 submitters: Benign (1); Likely benign (7). Last evaluated 2026-05-26.

Conditions:
Osteogenesis imperfecta (OI). Identifiers: Orphanet 666, MedGen C0029434, MeSH D010013, MONDO:0019019.
Osteogenesis imperfecta type I (OI1). Also called: Lobstein's Disease; Osteogenesis imperfecta type 1; OSTEOGENESIS IMPERFECTA WITH BLUE SCLERAE; OI, TYPE I; OSTEOGENESIS IMPERFECTA TARDA; Classic Non-deforming Osteogenesis Imperfecta with Blue Sclerae. Identifiers: Orphanet 216796, Orphanet 666, MedGen C0023931, MONDO:0008146, OMIM 166200. Disease mechanism: loss of function.
Ehlers-Danlos syndrome, classic type, 1 (EDSCL1). Also called: Ehlers-Danlos syndrome, type 1; EHLERS-DANLOS SYNDROME, GRAVIS TYPE; EHLERS-DANLOS SYNDROME, SEVERE CLASSIC TYPE; Ehlers-Danlos Syndrome, Classic Type, COL5A1-Related; EDS I. Identifiers: MedGen C0268335, MONDO:0019567, OMIM 130000.
Ehlers-Danlos syndrome, arthrochalasia type, 2. Also called: EHLERS-DANLOS SYNDROME, TYPE VIIB, AUTOSOMAL DOMINANT. Identifiers: MedGen CN293783, MONDO:0040501, OMIM 617821.
Cardiovascular phenotype. Identifiers: MedGen CN230736.

Allele frequency attached by ClinVar (database versions not stated): TOPMed 0.00010; ESP Exome Variant Server 0.00015; gnomAD exomes 0.00028; ExAC 0.00034.
gnomAD v4.1: 262 of 1,614,008 alleles (0.016%); highest among the groups gnomAD compares: East Asian, 0.071%; no homozygotes.

Submissions (8):

Women's Health and Genetics/Laboratory Corporation of America, LabCorp
Classification: Likely benign. Last evaluated: 2026-05-26. Review status: criteria provided, single submitter. Criteria: LabCorp Variant Classification Summary - May 2015. Collection method: clinical testing. Allele origin: germline.

Labcorp Genetics (formerly Invitae), Labcorp
Classification: Likely benign for Osteogenesis imperfecta type I; Ehlers-Danlos syndrome, classic type, 1. Last evaluated: 2026-01-18. Review status: criteria provided, single submitter. Criteria: Invitae Variant Classification Sherloc (09022015). Collection method: clinical testing. Allele origin: germline.

Mayo Clinic Laboratories, Mayo Clinic
Classification: Likely benign. Last evaluated: 2025-09-05. Review status: criteria provided, single submitter. Criteria: ACMG Guidelines, 2015. Collection method: clinical testing. Allele origin: germline. Observed: 4 variant alleles.
Comment: BS1, BP4, BP7

Blueprint Genetics
Classification: Likely benign. Last evaluated: 2024-08-05. Review status: criteria provided, single submitter. Criteria: ACMG Guidelines, 2015. Collection method: clinical testing. Allele origin: germline.

GeneDx
Classification: Likely benign. Last evaluated: 2020-11-04. Review status: criteria provided, single submitter. Criteria: GeneDx Variant Classification Process June 2021. Collection method: clinical testing. Allele origin: germline. Affected: yes.

Ambry Genetics
Classification: Likely benign for Cardiovascular phenotype. Last evaluated: 2019-02-16. Review status: criteria provided, single submitter. Criteria: Ambry Variant Classification Scheme 2023. Collection method: clinical testing. Allele origin: germline.

Illumina Laboratory Services, Illumina
Classification: Likely benign for Osteogenesis imperfecta. Last evaluated: 2018-01-12. Review status: criteria provided, single submitter. Criteria: ICSL Variant Classification Criteria 13 December 2019. Collection method: clinical testing. Allele origin: germline.
Comment: This variant was observed in the ICSL laboratory as part of a predisposition screen in an ostensibly healthy population. It had not been previously curated by ICSL or reported in the Human Gene Mutation Database (HGMD: prior to June 1st, 2018), and was therefore a candidate for classification through an automated scoring system. Utilizing variant allele frequency, disease prevalence and penetrance estimates, and inheritance mode, an automated score was calculated to assess if this variant is too frequent to cause the disease. Based on the score and internal cut-off values, a variant classified as likely benign is not then subjected to further curation. The score for this variant resulted in a classification of likely benign for this disease.

Illumina Laboratory Services, Illumina
Classification: Benign for Ehlers-Danlos syndrome, arthrochalasia type, 2. Last evaluated: 2018-01-12. Review status: criteria provided, single submitter. Criteria: ICSL Variant Classification Criteria 13 December 2019. Collection method: clinical testing. Allele origin: germline.
Comment: This variant was observed in the ICSL laboratory as part of a predisposition screen in an ostensibly healthy population. It had not been previously curated by ICSL or reported in the Human Gene Mutation Database (HGMD: prior to June 1st, 2018), and was therefore a candidate for classification through an automated scoring system. Utilizing variant allele frequency, disease prevalence and penetrance estimates, and inheritance mode, an automated score was calculated to assess if this variant is too frequent to cause the disease. Based on the score and internal cut-off values, a variant classified as benign is not then subjected to further curation. The score for this variant resulted in a classification of benign for this disease.